The following is an entry in ClinVar:

ClinVar aggregate classification (germline): Benign. Review status: criteria provided, multiple submitters, no conflicts (2 of 4 stars). 3 submissions from 3 submitters: Benign (3). Last evaluated 2025-09-02.

Conditions:
RYR3-related disorder. Also called: RYR3-related condition.
Epileptic encephalopathy. Identifiers: MedGen C0543888, HP:0200134.

Allele frequency attached by ClinVar (database versions not stated): gnomAD exomes 0.00084 and 0.00199; ExAC 0.00229; gnomAD 0.00648 and 0.00694; 1000 Genomes Project 30x 0.00671; 1000 Genomes Project 0.00739; TOPMed 0.00740; ESP Exome Variant Server 0.00770.
gnomAD v4.1: 2,306 of 1,613,792 alleles (0.14%); highest among the groups gnomAD compares: African/African-American, 2.3%; 24 homozygotes.

Submissions (3):

Labcorp Genetics (formerly Invitae), Labcorp
Classification: Benign for Epileptic encephalopathy. Last evaluated: 2025-09-02. Review status: criteria provided, single submitter. Criteria: Invitae Variant Classification Sherloc (09022015). Collection method: clinical testing. Allele origin: germline.

PreventionGenetics, part of Exact Sciences
Classification: Benign for RYR3-related condition. Last evaluated: 2025-01-14. Review status: criteria provided, single submitter. Criteria: ACMG Guidelines, 2015. Collection method: clinical testing. Allele origin: germline.
Comment: This variant is classified as benign based on ACMG/AMP sequence variant interpretation guidelines (Richards et al. 2015 PMID: 25741868, with internal and published modifications).

Breakthrough Genomics
Classification: Benign. Review status: criteria provided, single submitter. Criteria: ACMG Guidelines, 2015. Collection method: not provided. Allele origin: germline. Inheritance: Unknown mechanism. Affected: yes.

NM_001036.6(RYR3):c.6134+9T>C

Gene: RYR3 (ryanodine receptor 3; plus strand). Cytogenetic location: 15q14.
Variant type: single nucleotide variant.
Coding change: c.6134+9T>C on transcript NM_001036.6 (MANE Select); 9 bases into the intron after coding-DNA position 6134, T replaced by C.
Molecular consequence: intron variant.
Genome position (GRCh38, 1-based): chr15:33,696,500, T>C. VCF-style: chr15-33696500-T-C. GRCh37 (hg19) VCF-style: chr15-33988701-T-C.
Other names: c.6134+9T>C (NM_001243996.4).
Identifiers: ClinVar variation 461934 (VCV000461934.13), dbSNP rs113699058, ClinGen allele CA7459442.